The following is an entry in ClinVar:

ClinVar aggregate classification (germline): Uncertain significance. Review status: criteria provided, multiple submitters, no conflicts (2 of 4 stars). 2 submissions from 2 submitters: Uncertain significance (2). Last evaluated 2026-01-23.

Submissions (2):

Ambry Genetics
Classification: Uncertain significance. Last evaluated: 2026-01-23. Review status: criteria provided, single submitter. Criteria: Ambry Variant Classification Scheme 2023. Collection method: clinical testing. Allele origin: germline.
Comment: The p.N258S variant (also known as c.773A>G), located in coding exon 1 of the TET2 gene, results from an A to G substitution at nucleotide position 773. The asparagine at codon 258 is replaced by serine, an amino acid with highly similar properties. This amino acid position is conserved. In addition, this alteration is predicted to be tolerated by in silico analysis. Based on the available evidence, the clinical significance of this variant remains unclear.

Labcorp Genetics (formerly Invitae), Labcorp
Classification: Uncertain significance. Last evaluated: 2024-11-19. Review status: criteria provided, single submitter. Criteria: Invitae Variant Classification Sherloc (09022015). Collection method: clinical testing. Allele origin: germline.
Comment: This sequence change replaces asparagine, which is neutral and polar, with serine, which is neutral and polar, at codon 258 of the TET2 protein (p.Asn258Ser). This variant is not present in population databases (gnomAD no frequency). This variant has not been reported in the literature in individuals affected with TET2-related conditions. An algorithm developed to predict the effect of missense changes on protein structure and function (PolyPhen-2) suggests that this variant is likely to be tolerated. In summary, the available evidence is currently insufficient to determine the role of this variant in disease. Therefore, it has been classified as a Variant of Uncertain Significance.

NM_001127208.3(TET2):c.773A>G (p.Asn258Ser)

Genes: TET2 (tet methylcytosine dioxygenase 2; plus strand), TET2-AS1 (TET2 antisense RNA 1; minus strand). Cytogenetic location: 4q24.
Variant type: single nucleotide variant.
Coding change: c.773A>G on transcript NM_001127208.3 (MANE Select); coding-DNA position 773, A replaced by G.
Protein change: p.Asn258Ser; replaces asparagine 258 with serine.
Molecular consequence: missense variant.
Genome position (GRCh38, 1-based): chr4:105,234,715, A>G. VCF-style: chr4-105234715-A-G. GRCh37 (hg19) VCF-style: chr4-106155872-A-G.
Other names: c.773A>G, p.Asn258Ser (NM_017628.4); short protein forms N258S.
Identifiers: ClinVar variation 3680101 (VCV003680101.3).